The following is an entry in ClinVar:

NM_001048174.2(MUTYH):c.1408C>T (p.Gln470Ter)

Gene: MUTYH (mutY DNA glycosylase; minus strand). Cytogenetic location: 1p34.1.
Variant type: single nucleotide variant.
Coding change: c.1408C>T on transcript NM_001048174.2 (MANE Select); coding-DNA position 1408, C replaced by T.
Protein change: p.Gln470Ter; replaces glutamine 470 with a stop codon.
Molecular consequence: nonsense. On other transcripts: non-coding transcript variant (7).
Genome position (GRCh38, 1-based): chr1:45,330,542, G>A on the plus strand (C>T on the coding strand, the complement: MUTYH is on the minus strand). VCF-style: chr1-45330542-G-A. GRCh37 (hg19) VCF-style: chr1-45796214-G-A.
Other names: c.1408C>T, p.Gln470Ter (NM_001048171.2, NM_001048173.2, NM_001293195.2 and 6 more transcripts); c.1411C>T, p.Gln471Ter (NM_001048172.2, NM_001407071.1, NM_001407078.1 and 1 more transcripts); c.1492C>T, p.Gln498Ter (NM_001128425.2); c.1453C>T, p.Gln485Ter (NM_001293190.2); c.1441C>T, p.Gln481Ter (NM_001293191.2, NM_001407069.1, NM_001407077.1); c.1132C>T, p.Gln378Ter (NM_001293192.2, NM_001293196.2, NM_001407091.1); c.1063C>T, p.Gln355Ter (NM_001350650.2, NM_001350651.2, NM_001407082.1); c.1324C>T, p.Gln442Ter (NM_001407075.1); and 5 more; short protein forms Q355*, Q378*, Q442*, Q456*, Q457*, Q470*, Q471*, Q477*.
Identifiers: ClinVar variation 3233028 (VCV003233028.1), dbSNP rs2523845891, ClinGen allele CA340132375.

ClinVar aggregate classification (germline): Uncertain significance (1 of 4 stars; one submission).

Conditions:
Hereditary cancer-predisposing syndrome. Also called: Neoplastic Syndromes, Hereditary; Tumor predisposition; Hereditary neoplastic syndrome; Hereditary Cancer Syndrome. Identifiers: Orphanet 140162, MedGen C0027672, MeSH D009386, MONDO:0015356.

Submission:

Ambry Genetics
Classification: Uncertain significance for Hereditary cancer-predisposing syndrome. Last evaluated: 2023-10-13. Review status: criteria provided, single submitter. Criteria: Ambry Variant Classification Scheme 2023. Collection method: clinical testing. Allele origin: germline.
Comment: The p.Q498* variant (also known as c.1492C>T), located in coding exon 15 of the MUTYH gene, results from a C to T substitution at nucleotide position 1492. This changes the amino acid from a glutamine to a stop codon within coding exon 15. This alteration occurs at the 3' terminus of theMUTYH gene, is not expected to trigger nonsense-mediated mRNAdecay, and only impacts the last 52 amino acids of the protein. The exact functional effect of this alteration is unknown. Since supporting evidence is limited at this time, the clinical significance of this alteration remains unclear.